The following is an entry in ClinVar:

ClinVar aggregate classification (germline): Benign/Likely benign. Review status: criteria provided, multiple submitters, no conflicts (2 of 4 stars). 3 submissions from 3 submitters: Benign (1); Likely benign (2). Last evaluated 2024-03-08.

Conditions:
Hereditary cancer-predisposing syndrome. Also called: Tumor predisposition; Neoplastic Syndromes, Hereditary; Hereditary Cancer Syndrome; Hereditary neoplastic syndrome. Identifiers: Orphanet 140162, MedGen C0027672, MeSH D009386, MONDO:0015356.
Familial adenomatous polyposis 1 (FAP1). Also called: FAMILIAL ADENOMATOUS POLYPOSIS 1, ATTENUATED; POLYPOSIS, ADENOMATOUS INTESTINAL. Identifiers: MedGen C2713442, MONDO:0021056, OMIM 175100. Disease mechanism: loss of function.

Submissions (3):

Myriad Genetics, Inc.
Classification: Benign for Familial adenomatous polyposis 1. Last evaluated: 2024-03-08. Review status: criteria provided, single submitter. Criteria: Myriad Autosomal Dominant, Autosomal Recessive and X-Linked Classification Criteria (2023). Collection method: clinical testing. Allele origin: unknown.
Comment: This variant is considered benign. This variant is a silent/synonymous amino acid change and it is not expected to impact splicing.

Ambry Genetics
Classification: Likely benign for Hereditary cancer-predisposing syndrome. Last evaluated: 2020-12-04. Review status: criteria provided, single submitter. Criteria: Ambry Variant Classification Scheme 2023. Collection method: clinical testing. Allele origin: germline.

Labcorp Genetics (formerly Invitae), Labcorp
Classification: Likely benign for Familial adenomatous polyposis 1. Last evaluated: 2020-07-16. Review status: criteria provided, single submitter. Criteria: Invitae Variant Classification Sherloc (09022015). Collection method: clinical testing. Allele origin: germline.

NM_000038.6(APC):c.2176T>C (p.Leu726=)

Gene: APC (APC regulator of Wnt signaling pathway; plus strand). Cytogenetic location: 5q22.2.
Variant type: single nucleotide variant.
Coding change: c.2176T>C on transcript NM_000038.6 (MANE Select); coding-DNA position 2176, T replaced by C.
Protein change: p.Leu726=; no amino-acid change (leucine 726 retained).
Molecular consequence: synonymous variant.
Genome position (GRCh38, 1-based): chr5:112,837,770, T>C. VCF-style: chr5-112837770-T-C. GRCh37 (hg19) VCF-style: chr5-112173467-T-C.
Other names: c.2176T>C, p.Leu726= (NM_001127510.3, NM_001354895.2); c.2122T>C, p.Leu708= (NM_001127511.3); c.2230T>C, p.Leu744= (NM_001354896.2); c.2206T>C, p.Leu736= (NM_001354897.2); c.2101T>C, p.Leu701= (NM_001354898.2); c.2092T>C, p.Leu698= (NM_001354899.2); c.2053T>C, p.Leu685= (NM_001354900.2); c.1999T>C, p.Leu667= (NM_001354901.2); and 5 more.
Identifiers: ClinVar variation 1104523 (VCV001104523.12), dbSNP rs2149862426, ClinGen allele CA445963490.